The following is an entry in ClinVar:

ClinVar aggregate classification (germline): Pathogenic. Review status: criteria provided, multiple submitters, no conflicts (2 of 4 stars). 2 submissions from 2 submitters: Pathogenic (2). Last evaluated 2024-06-06.

Conditions:
Hereditary cancer-predisposing syndrome. Also called: Neoplastic Syndromes, Hereditary; Tumor predisposition; Hereditary Cancer Syndrome; Hereditary neoplastic syndrome. Identifiers: Orphanet 140162, MedGen C0027672, MeSH D009386, MONDO:0015356.
Familial adenomatous polyposis 3. Also called: NTHL1-Related Adenomatous Polyposis and Colorectal Cancer; NTHL1 Tumor Syndrome; NTHL1-related attenuated familial adenomatous polyposis; NTHL1-associated polyposis. Identifiers: Orphanet 220460, Orphanet 454840, MedGen C4225157, MONDO:0014630, OMIM 616415.

Submissions (2):

Ambry Genetics
Classification: Pathogenic for Hereditary cancer-predisposing syndrome. Last evaluated: 2024-06-06. Review status: criteria provided, single submitter. Criteria: Ambry Variant Classification Scheme 2023. Collection method: clinical testing. Allele origin: germline.
Comment: The c.58_77dup20 variant, located in coding exon 1 of the NTHL1 gene, results from a duplication of 20 nucleotides (AGCCGGAGCCTGGGACCCGG) at positions 58 to 77, causing a translational frameshift with a predicted alternate stop codon (p.P29Afs*34). This variant is considered to be rare based on population cohorts in the Genome Aggregation Database (gnomAD). This alteration is expected to result in loss of function by premature protein truncation or nonsense-mediated mRNA decay. As such, this alteration is interpreted as a disease-causing mutation.

Myriad Genetics, Inc.
Classification: Pathogenic for Familial adenomatous polyposis 3. Last evaluated: 2023-08-07. Review status: criteria provided, single submitter. Criteria: Myriad Autosomal Dominant, Autosomal Recessive and X-Linked Classification Criteria (2023). Collection method: clinical testing. Allele origin: unknown.
Comment: This variant is considered pathogenic. This variant creates a frameshift predicted to result in premature protein truncation.

NM_002528.7(NTHL1):c.34_53dup (p.Pro21fs)

Gene: NTHL1 (nth like DNA glycosylase 1; minus strand). Cytogenetic location: 16p13.3.
Variant type: Duplication.
Coding change: c.34_53dup on transcript NM_002528.7 (MANE Select); coding-DNA positions 34 to 53, 20 bases duplicated (AGCCGGAGCCTGGGACCCGG).
Protein change: p.Pro21fs; shifts the reading frame from proline 21.
Molecular consequence: frameshift variant. On other transcripts: 5 prime UTR variant (1).
Genome position (GRCh38, 1-based): chr16:2,047,771-2,047,790, CCGGGTCCCAGGCTCCGGCT duplicated on the plus strand (AGCCGGAGCCTGGGACCCGG on the coding strand, the reverse complement: NTHL1 is on the minus strand); duplicating any 20 consecutive bases within chr16:2,047,771-2,047,797 gives the same sequence; the c. name uses the placement nearest the transcript's 3' end. VCF-style (leftmost placement, unchanged base first): chr16-2047770-C-CCCGGGTCCCAGGCTCCGGCT. GRCh37 (hg19) VCF-style: chr16-2097771-C-CCCGGGTCCCAGGCTCCGGCT.
Other names: c.34_53dup, p.Pro21fs (NM_001318193.2); c.-145_-126dup (NM_001318194.2); c.58_77dupAGCCGGAGCCTGGGACCCGG (NM_002528.5); short protein forms P21fs.
Identifiers: ClinVar variation 2673804 (VCV002673804.2), dbSNP rs2548331844, ClinGen allele CA2631111628.